The following is an entry in ClinVar:

NM_000219.6(KCNE1):c.186G>A (p.Met62Ile)

Gene: KCNE1 (potassium voltage-gated channel subfamily E regulatory subunit 1; minus strand). Cytogenetic location: 21q22.12.
Variant type: single nucleotide variant.
Coding change: c.186G>A on transcript NM_000219.6 (MANE Select); coding-DNA position 186, G replaced by A.
Protein change: p.Met62Ile; replaces methionine 62 with isoleucine.
Molecular consequence: missense variant.
Genome position (GRCh38, 1-based): chr21:34,449,449, C>T on the plus strand (G>A on the coding strand, the complement: KCNE1 is on the minus strand). VCF-style: chr21-34449449-C-T. GRCh37 (hg19) VCF-style: chr21-35821747-C-T.
Other names: c.186G>A, p.Met62Ile (NM_001127668.4, NM_001127669.4, NM_001127670.4 and 4 more transcripts); short protein forms M62I.
Identifiers: ClinVar variation 3374274 (VCV003374274.2).
Genomic context (GRCh38, chr21:34,449,449, plus strand): 5'-GATGTAGACGTTGAATGGGTCGTTCGAGTGCTCCAGCTTCTTGGAGCGGATGTAGCTCAG[C>T]ATGATGCCCAGGGTGAAGAAGCCGAAGAATCCCAGTACCATGAGGACGTAGAGGGCCTCC-3'
Protein context (NP_000210.2, residues 52-72): GFFGFFTLGI[Met62Ile]LSYIRSKKLE

Conditions:
Long QT syndrome 5 (LQT5). Identifiers: Orphanet 101016, Orphanet 768, MedGen C1867904, MONDO:0013372, OMIM 613695.

Submission:

Roden Lab, Vanderbilt University Medical Center
No classification provided (evidence only). Condition: Long QT syndrome 5. Review status: no classification provided. Collection method: in vitro. Allele origin: not applicable. Functional consequence: Effect on ion channel function.
ClinVar note: "not provided" was previously submitted as the classification for the variant. However, the classification appeared to be based only on an observation of functional data so it was converted to no classification on 2025-07-30.